The following is an entry in ClinVar:

NM_000628.5(IL10RB):c.647-14A>C

Genes: IL10RB (interleukin 10 receptor subunit beta; plus strand), IFNAR2-IL10RB (IFNAR2-IL10RB readthrough; plus strand). Cytogenetic location: 21q22.11.
Variant type: single nucleotide variant.
Coding change: c.647-14A>C on transcript NM_000628.5 (MANE Select); 14 bases into the intron before coding-DNA position 647, A replaced by C.
Molecular consequence: intron variant.
Genome position (GRCh38, 1-based): chr21:33,288,090, A>C. VCF-style: chr21-33288090-A-C. GRCh37 (hg19) VCF-style: chr21-34660395-A-C.
Identifiers: ClinVar variation 931390 (VCV000931390.11), dbSNP rs45526732, ClinGen allele CA320149992.

ClinVar aggregate classification (germline): Conflicting classifications of pathogenicity. Review status: criteria provided, conflicting classifications (1 of 4 stars). 2 submissions from 2 submitters: Uncertain significance (1); Likely benign (1). Last evaluated 2024-06-05.

Conditions:
Inflammatory bowel disease 25. Also called: Inflammatory bowel disease 25, early onset, autosomal recessive. Identifiers: Orphanet 238569, MedGen C2675508, MONDO:0012941, OMIM 612567.

Allele frequency attached by ClinVar (database versions not stated): gnomAD 0.00001; gnomAD exomes 0.00001 and 0.00002; TOPMed 0.00002.
gnomAD v4.1: 18 of 1,613,632 alleles (0.0011%); highest among the groups gnomAD compares: Admixed American, 0.0033%; no homozygotes.

Submissions (2):

Labcorp Genetics (formerly Invitae), Labcorp
Classification: Likely benign for Inflammatory bowel disease 25. Last evaluated: 2024-06-05. Review status: criteria provided, single submitter. Criteria: Invitae Variant Classification Sherloc (09022015). Collection method: clinical testing. Allele origin: germline.

Centre for Mendelian Genomics, University Medical Centre Ljubljana
Classification: Uncertain significance for Inflammatory bowel disease 25. Last evaluated: 2018-12-06. Review status: criteria provided, single submitter. Criteria: ACMG Guidelines, 2015. Collection method: clinical testing. Allele origin: unknown. Affected: yes.
Comment: This variant was classified as: Uncertain significance. The available evidence on this variant's pathogenicity is insufficient or conflicting. The following ACMG criteria were applied in classifying this variant: BP4.